The following is an entry in ClinVar:

NM_000064.4(C3):c.1845G>A (p.Lys615=)

Gene: C3 (complement C3; minus strand). Cytogenetic location: 19p13.3.
Variant type: single nucleotide variant.
Coding change: c.1845G>A on transcript NM_000064.4 (MANE Select); coding-DNA position 1845, G replaced by A.
Protein change: p.Lys615=; no amino-acid change (lysine 615 retained).
Molecular consequence: synonymous variant.
Genome position (GRCh38, 1-based): chr19:6,709,684, C>T on the plus strand (G>A on the coding strand, the complement: C3 is on the minus strand). VCF-style: chr19-6709684-C-T. GRCh37 (hg19) VCF-style: chr19-6709695-C-T.
Identifiers: ClinVar variation 2088597 (VCV002088597.4), dbSNP rs2512260591, ClinGen allele CA505124738.
Genomic context (GRCh38, chr19:6,709,684, plus strand): 5'-CCCCAGCCCCAGCTCCGTGCCTCCGCCTCTTCTCAGCAGCCTTGGGTCACTGGCCCTTAC[C>T]TTACTCTGCGTCAGTTTGTTCTTCTTATTCAGCACGAACACGCCCTTGTCCACGGCCACC-3'
Protein context (NP_000055.2, residues 605-625): LNKKNKLTQS[Lys615=]IWDVVEKADI

ClinVar aggregate classification (germline): Uncertain significance (1 of 4 stars; one submission).

Submission:

Labcorp Genetics (formerly Invitae), Labcorp
Classification: Uncertain significance. Last evaluated: 2025-03-18. Review status: criteria provided, single submitter. Criteria: Invitae Variant Classification Sherloc (09022015). Collection method: clinical testing. Allele origin: germline.
Comment: This sequence change affects codon 615 of the C3 mRNA. It is a 'silent' change, meaning that it does not change the encoded amino acid sequence of the C3 protein. This variant also falls at the last nucleotide of exon 14, which is part of the consensus splice site for this exon. This variant is not present in population databases (gnomAD no frequency). This variant has not been reported in the literature in individuals affected with C3-related conditions. ClinVar contains an entry for this variant (Variation ID: 2088597). Variants that disrupt the consensus splice site are a relatively common cause of aberrant splicing (PMID: 17576681, 9536098). Algorithms developed to predict the effect of sequence changes on RNA splicing suggest that this variant is not likely to affect RNA splicing. In summary, the available evidence is currently insufficient to determine the role of this variant in disease. Therefore, it has been classified as a Variant of Uncertain Significance.

Literature cited by the submitters: PubMed 17576681; PubMed 9536098.